The following is an entry in ClinVar:

NM_018474.6(KIZ):c.1875G>T (p.Leu625Phe)

Gene: KIZ (kizuna centrosomal protein; plus strand). Cytogenetic location: 20p11.23.
Variant type: single nucleotide variant.
Coding change: c.1875G>T on transcript NM_018474.6 (MANE Select); coding-DNA position 1875, G replaced by T.
Protein change: p.Leu625Phe; replaces leucine 625 with phenylalanine.
Molecular consequence: missense variant.
Genome position (GRCh38, 1-based): chr20:21,232,825, G>T. VCF-style: chr20-21232825-G-T. GRCh37 (hg19) VCF-style: chr20-21213463-G-T.
Other names: c.1566G>T, p.Leu522Phe (NM_001163022.3); c.1476G>T, p.Leu492Phe (NM_001163023.3); c.1728G>T, p.Leu576Phe (NM_001276389.2); c.1821G>T, p.Leu607Phe (NM_001352434.2); c.1512G>T, p.Leu504Phe (NM_001352435.2); c.1533G>T, p.Leu511Phe (NM_001352436.2); short protein forms L576F, L625F, L492F, L522F, L504F, L511F, L607F.
Identifiers: ClinVar variation 1384402 (VCV001384402.6), dbSNP rs776914590, ClinGen allele CA9785006.
Genomic context (GRCh38, chr20:21,232,825, plus strand): 5'-AAAGACAGCTAACAAAATTGCTTCGGAAGCTAGTTTTTCATCTAGTGAAGGAAGTCCTTT[G>T]TCAAGGTAAAGTTGTGAAAGCCTTTCTGAATAGCAGCAACAAGATGAGAAATGTCACAGC-3'
Protein context (NP_060944.3, residues 615-635): ASFSSSEGSP[Leu625Phe]SRHENKKKPV

ClinVar aggregate classification (germline): Uncertain significance (1 of 4 stars; one submission).

Allele frequency attached by ClinVar (database versions not stated): gnomAD exomes 0.00001; ExAC 0.00005.
gnomAD v4.1: 7 of 1,487,126 alleles (0.00047%); highest among the groups gnomAD compares: South Asian, 0.0071%; no homozygotes.

Submission:

Labcorp Genetics (formerly Invitae), Labcorp
Classification: Uncertain significance. Last evaluated: 2023-04-05. Review status: criteria provided, single submitter. Criteria: Invitae Variant Classification Sherloc (09022015). Collection method: clinical testing. Allele origin: germline.
Comment: This sequence change replaces leucine, which is neutral and non-polar, with phenylalanine, which is neutral and non-polar, at codon 625 of the KIZ protein (p.Leu625Phe). The frequency data for this variant in the population databases is considered unreliable, as metrics indicate poor data quality at this position in the gnomAD database. This variant has not been reported in the literature in individuals affected with KIZ-related conditions. ClinVar contains an entry for this variant (Variation ID: 1384402). Experimental studies and prediction algorithms are not available or were not evaluated, and the functional significance of this variant is currently unknown. In summary, the available evidence is currently insufficient to determine the role of this variant in disease. Therefore, it has been classified as a Variant of Uncertain Significance.